The following is an entry in ClinVar:

NM_001014.5(RPS10):c.488C>T (p.Pro163Leu)

Genes: RPS10 (ribosomal protein S10; minus strand), RPS10-NUDT3 (RPS10-NUDT3 readthrough; minus strand). Cytogenetic location: 6p21.31.
Variant type: single nucleotide variant.
Coding change: c.488C>T on transcript NM_001014.5 (MANE Select); coding-DNA position 488, C replaced by T.
Protein change: p.Pro163Leu; replaces proline 163 with leucine.
Molecular consequence: missense variant. On other transcripts: intron variant (1).
Genome position (GRCh38, 1-based): chr6:34,417,516, G>A on the plus strand (C>T on the coding strand, the complement: RPS10 is on the minus strand). VCF-style: chr6-34417516-G-A. GRCh37 (hg19) VCF-style: chr6-34385293-G-A.
Other names: c.488C>T, p.Pro163Leu (NM_001203245.3, NM_001204091.2); c.456+853C>T (NM_001202470.3); short protein forms P163L.
Identifiers: ClinVar variation 5007042 (VCV005007042.2).

ClinVar aggregate classification (germline): Uncertain significance (1 of 4 stars; one submission).

Conditions:
Diamond-Blackfan anemia 9 (DBA9). Also called: RPS10-Related Diamond-Blackfan Anemia. Identifiers: Orphanet 124, MedGen C2750081, MONDO:0013216, OMIM 613308.

Submission:

Juno Genomics, Hangzhou Juno Genomics, Inc
Classification: Uncertain significance for Diamond-Blackfan anemia 9. Review status: criteria provided, single submitter. Criteria: ACMG Guidelines, 2015. Collection method: clinical testing. Allele origin: germline.
Comment: Absent from controls (or at extremely low frequency if recessive) in Genome Aggregation Database.